The following is an entry in ClinVar:

ClinVar aggregate classification (germline): Pathogenic (1 of 4 stars; one submission).

Conditions:
Tooth agenesis, selective, 7 (STHAG7). Identifiers: Orphanet 99798, MedGen C4225231, MONDO:0014749, OMIM 616724.

Submission:

Greenwood Genetic Center Diagnostic Laboratories, Greenwood Genetic Center
Classification: Pathogenic for Tooth agenesis, selective, 7. Last evaluated: 2023-04-04. Review status: criteria provided, single submitter. Criteria: ACMG Guidelines, 2015. Collection method: clinical testing. Allele origin: germline. Affected: yes.
Comment: PVS1, PS2, PM2

NM_002336.3(LRP6):c.4093G>T (p.Glu1365Ter)

Gene: LRP6 (LDL receptor related protein 6; minus strand). Cytogenetic location: 12p13.2.
Variant type: single nucleotide variant.
Coding change: c.4093G>T on transcript NM_002336.3 (MANE Select); coding-DNA position 4093, G replaced by T.
Protein change: p.Glu1365Ter; replaces glutamic acid 1365 with a stop codon.
Molecular consequence: nonsense. On other transcripts: non-coding transcript variant (1).
Genome position (GRCh38, 1-based): chr12:12,126,910, C>A on the plus strand (G>T on the coding strand, the complement: LRP6 is on the minus strand). VCF-style: chr12-12126910-C-A. GRCh37 (hg19) VCF-style: chr12-12279844-C-A.
Other names: c.4186G>T, p.Glu1396Ter (NM_001414244.1); c.4093G>T, p.Glu1365Ter (NM_001414245.1, NM_001414248.1, NM_001414249.1 and 1 more transcripts); c.3958G>T, p.Glu1320Ter (NM_001414246.1); c.3895G>T, p.Glu1299Ter (NM_001414247.1); c.3730G>T, p.Glu1244Ter (NM_001414251.1); c.3640G>T, p.Glu1214Ter (NM_001414252.1, NM_001414253.1, NM_001414254.1); c.3586G>T, p.Glu1196Ter (NM_001414255.1); short protein forms E1196*, E1214*, E1244*, E1299*, E1320*, E1365*, E1396*.
Identifiers: ClinVar variation 2572177 (VCV002572177.1), dbSNP rs2498598217, ClinGen allele CA383949248.